The following is an entry in ClinVar:

ClinVar aggregate classification (germline): Uncertain significance (1 of 4 stars; one submission).

Allele frequency attached by ClinVar (database versions not stated): gnomAD exomes below 0.00001.

Submission:

GeneDx
Classification: Uncertain significance. Last evaluated: 2022-03-31. Review status: criteria provided, single submitter. Criteria: GeneDx Variant Classification Process June 2021. Collection method: clinical testing. Allele origin: germline. Affected: yes.
Comment: Not observed at significant frequency in large population cohorts (gnomAD); In silico analysis supports that this missense variant does not alter protein structure/function; Has not been previously published as pathogenic or benign to our knowledge

NM_003931.3(WASF1):c.1553G>A (p.Arg518His)

Gene: WASF1 (WASP family member 1; minus strand). Cytogenetic location: 6q21.
Variant type: single nucleotide variant.
Coding change: c.1553G>A on transcript NM_003931.3 (MANE Select); coding-DNA position 1553, G replaced by A.
Protein change: p.Arg518His; replaces arginine 518 with histidine.
Molecular consequence: missense variant.
Genome position (GRCh38, 1-based): chr6:110,100,649, C>T on the plus strand (G>A on the coding strand, the complement: WASF1 is on the minus strand). VCF-style: chr6-110100649-C-T. GRCh37 (hg19) VCF-style: chr6-110421852-C-T.
Other names: c.1553G>A, p.Arg518His (NM_001024934.2, NM_001024935.2, NM_001024936.2); short protein forms R518H.
Identifiers: ClinVar variation 1707808 (VCV001707808.2), dbSNP rs2534208836, ClinGen allele CA365346806.
Genomic context (GRCh38, chr6:110,100,649, plus strand): 5'-CGGCGAGACAGGATGGTGGCAACATCGTTTTCAATGCGTTCATGCTTAGCTTCCTGTTCA[C>T]GCTGCTCTTCTACTTTGCGTAGCTGAATACCTGATACAGTGAATCCAAACCATTCATTTA-3'
Protein context (NP_003922.1, residues 508-528): GIQLRKVEEQ[Arg518His]EQEAKHERIE